The following is an entry in ClinVar:

NM_003896.4(ST3GAL5):c.544G>A (p.Asp182Asn)

Gene: ST3GAL5 (ST3 beta-galactoside alpha-2,3-sialyltransferase 5; minus strand). Cytogenetic location: 2p11.2.
Variant type: single nucleotide variant.
Coding change: c.544G>A on transcript NM_003896.4 (MANE Select); coding-DNA position 544, G replaced by A.
Protein change: p.Asp182Asn; replaces aspartic acid 182 with asparagine.
Molecular consequence: missense variant. On other transcripts: 5 prime UTR variant (1).
Genome position (GRCh38, 1-based): chr2:85,847,979, C>T on the plus strand (G>A on the coding strand, the complement: ST3GAL5 is on the minus strand). VCF-style: chr2-85847979-C-T. GRCh37 (hg19) VCF-style: chr2-86075102-C-T.
Other names: c.475G>A, p.Asp159Asn (NM_001042437.2); c.160G>A, p.Asp54Asn (NM_001354223.2, NM_001354224.2, NM_001354226.2 and 3 more transcripts); c.460G>A, p.Asp154Asn (NM_001354227.2, NM_001354229.2, NM_001354238.1); c.-361G>A (NM_001354247.1); c.544G>A, p.Asp182Asn (NM_001363847.1); short protein forms D182N, D154N, D159N, D54N.
Identifiers: ClinVar variation 663247 (VCV000663247.5), dbSNP rs373571836, ClinGen allele CA1745024.

ClinVar aggregate classification (germline): Uncertain significance (1 of 4 stars; one submission).

Conditions:
GM3 synthase deficiency (SPDRS). Also called: SALT AND PEPPER MENTAL RETARDATION SYNDROME; AMISH INFANTILE EPILEPSY SYNDROME; SALT AND PEPPER DEVELOPMENTAL REGRESSION SYNDROME. Identifiers: Orphanet 171714, Orphanet 370933, MedGen C1836824, MONDO:0018274, OMIM 609056.

Allele frequency attached by ClinVar (database versions not stated): ExAC 0.00001; gnomAD exomes 0.00001; TOPMed 0.00004; gnomAD 0.00005; ESP Exome Variant Server 0.00008.
gnomAD v4.1: 40 of 1,613,978 alleles (0.0025%); highest among the groups gnomAD compares: Middle Eastern, 0.016%; no homozygotes.

Submission:

Labcorp Genetics (formerly Invitae), Labcorp
Classification: Uncertain significance for GM3 synthase deficiency. Last evaluated: 2024-10-22. Review status: criteria provided, single submitter. Criteria: Invitae Variant Classification Sherloc (09022015). Collection method: clinical testing. Allele origin: germline.
Comment: This sequence change replaces aspartic acid, which is acidic and polar, with asparagine, which is neutral and polar, at codon 182 of the ST3GAL5 protein (p.Asp182Asn). This variant is present in population databases (rs373571836, gnomAD 0.02%). This variant has not been reported in the literature in individuals affected with ST3GAL5-related conditions. ClinVar contains an entry for this variant (Variation ID: 663247). Invitae Evidence Modeling of protein sequence and biophysical properties (such as structural, functional, and spatial information, amino acid conservation, physicochemical variation, residue mobility, and thermodynamic stability) indicates that this missense variant is not expected to disrupt ST3GAL5 protein function with a negative predictive value of 95%. In summary, the available evidence is currently insufficient to determine the role of this variant in disease. Therefore, it has been classified as a Variant of Uncertain Significance.